The following is an entry in ClinVar:

NM_017780.4(CHD7):c.5301-5T>G

Gene: CHD7 (chromodomain helicase DNA binding protein 7; plus strand). Cytogenetic location: 8q12.2.
Variant type: single nucleotide variant.
Coding change: c.5301-5T>G on transcript NM_017780.4 (MANE Select); 5 bases into the intron before coding-DNA position 5301, T replaced by G.
Molecular consequence: intron variant.
Genome position (GRCh38, 1-based): chr8:60,849,046, T>G. VCF-style: chr8-60849046-T-G. GRCh37 (hg19) VCF-style: chr8-61761605-T-G.
Other names: c.1717-13183T>G (NM_001316690.1).
Identifiers: ClinVar variation 3144196 (VCV003144196.1), dbSNP rs1365936367, ClinGen allele CA853908823.

ClinVar aggregate classification (germline): Uncertain significance (1 of 4 stars; one submission).

Conditions:
Inborn genetic diseases. Identifiers: MedGen C0950123, MeSH D030342.

Allele frequency attached by ClinVar (database versions not stated): TOPMed below 0.00001; gnomAD 0.00001.
gnomAD v4.1: 1 of 1,608,902 alleles (0.000062%); highest among the groups gnomAD compares: Non-Finnish European, 0.000085%; no homozygotes.

Submission:

Ambry Genetics
Classification: Uncertain significance for Inborn genetic diseases. Last evaluated: 2023-10-12. Review status: criteria provided, single submitter. Criteria: Ambry Variant Classification Scheme 2023. Collection method: clinical testing. Allele origin: germline.
Comment: The c.5301-5T>G intronic alteration consists of a T to G substitution 5 nucleotides before exon 25 (coding exon 24) of the CHD7 gene. Based on insufficient or conflicting evidence, the clinical significance of this alteration remains unclear.